The following is an entry in ClinVar:

ClinVar aggregate classification (germline): Uncertain significance (1 of 4 stars; one submission).

Submission:

GeneDx
Classification: Uncertain significance. Last evaluated: 2026-03-26. Review status: criteria provided, single submitter. Criteria: GeneDx Variant Classification Process June 2021. Collection method: clinical testing. Allele origin: germline.
Comment: In silico analysis supports that this missense variant has a deleterious effect on protein structure/function; Has not been previously published as pathogenic or benign to our knowledge

NM_007118.4(TRIO):c.3283A>G (p.Met1095Val)

Gene: TRIO (trio Rho guanine nucleotide exchange factor; plus strand). Cytogenetic location: 5p15.2.
Variant type: single nucleotide variant.
Coding change: c.3283A>G on transcript NM_007118.4 (MANE Select); coding-DNA position 3283, A replaced by G.
Protein change: p.Met1095Val; replaces methionine 1095 with valine.
Molecular consequence: missense variant. On other transcripts: non-coding transcript variant (1).
Genome position (GRCh38, 1-based): chr5:14,374,295, A>G. VCF-style: chr5-14374295-A-G. GRCh37 (hg19) VCF-style: chr5-14374404-A-G.
Other names: short protein forms M1095V.
Identifiers: ClinVar variation 5017541 (VCV005017541.1).